The following is an entry in ClinVar:

NM_000135.4(FANCA):c.1901A>G (p.Asp634Gly)

Gene: FANCA (FA complementation group A; minus strand). Cytogenetic location: 16q24.3.
Variant type: single nucleotide variant.
Coding change: c.1901A>G on transcript NM_000135.4 (MANE Select); coding-DNA position 1901, A replaced by G.
Protein change: p.Asp634Gly; replaces aspartic acid 634 with glycine.
Molecular consequence: missense variant.
Genome position (GRCh38, 1-based): chr16:89,773,384, T>C on the plus strand (A>G on the coding strand, the complement: FANCA is on the minus strand). VCF-style: chr16-89773384-T-C. GRCh37 (hg19) VCF-style: chr16-89839792-T-C.
Other names: c.1901A>G (NM_000135.3); c.1901A>G, p.Asp634Gly (NM_001286167.3); short protein forms D634G.
Identifiers: ClinVar variation 972287 (VCV000972287.12), dbSNP rs151232042, ClinGen allele CA286568229.

ClinVar aggregate classification (germline): Uncertain significance. Review status: criteria provided, multiple submitters, no conflicts (2 of 4 stars). 5 submissions from 5 submitters: Uncertain significance (4). 1 of the submissions does not count toward it. Last evaluated 2025-04-07.

Conditions:
Inborn genetic diseases. Identifiers: MedGen C0950123, MeSH D030342.
Fanconi anemia (FA). Also called: Fanconi's anemia. Identifiers: Orphanet 84, MedGen C0015625, MeSH D005199, MONDO:0019391.

Allele frequency attached by ClinVar (database versions not stated): gnomAD exomes 0.00001; ESP Exome Variant Server 0.00009; TOPMed 0.00010.
gnomAD v4.1: 14 of 1,548,118 alleles (0.0009%); highest among the groups gnomAD compares: African/African-American, 0.015%; no homozygotes.

Submissions (5):

Quest Diagnostics Nichols Institute San Juan Capistrano
Classification: Uncertain significance. Last evaluated: 2025-04-07. Review status: criteria provided, single submitter. Criteria: Quest Diagnostics criteria. Collection method: clinical testing. Allele origin: unknown.
Comment: The FANCA c.1901A>G (p.Asp634Gly) variant has not been reported in individuals with FANCA-related conditions in the published literature. The frequency of this variant in the general population (Genome Aggregation Database) is uninformative in the assessment of its pathogenicity. Analysis of this variant using bioinformatics tools for the prediction of the effect of amino acid changes on protein structure and function yielded predictions that this variant is benign. Based on the available information, we are unable to determine the clinical significance of this variant.

Ambry Genetics
Classification: Uncertain significance for Inborn genetic diseases. Last evaluated: 2024-11-23. Review status: criteria provided, single submitter. Criteria: Ambry Variant Classification Scheme 2023. Collection method: clinical testing. Allele origin: germline.
Comment: The p.D634G variant (also known as c.1901A>G) is located in coding exon 22 of the FANCA gene. The aspartic acid at codon 634 is replaced by glycine, an amino acid with similar properties. This change occurs in the first base pair of coding exon 22. This amino acid position is conserved. In addition, this alteration is predicted to be tolerated by in silico analysis. Based on the available evidence, the clinical significance of this variant remains unclear.

Labcorp Genetics (formerly Invitae), Labcorp
Classification: Uncertain significance for Fanconi anemia. Last evaluated: 2024-05-21. Review status: criteria provided, single submitter. Criteria: Invitae Variant Classification Sherloc (09022015). Collection method: clinical testing. Allele origin: germline.
Comment: This sequence change replaces aspartic acid, which is acidic and polar, with glycine, which is neutral and non-polar, at codon 634 of the FANCA protein (p.Asp634Gly). This variant is present in population databases (rs151232042, gnomAD 0.02%). This variant has not been reported in the literature in individuals affected with FANCA-related conditions. ClinVar contains an entry for this variant (Variation ID: 972287). Algorithms developed to predict the effect of missense changes on protein structure and function output the following: SIFT: "Not Available"; PolyPhen-2: "Possibly Damaging"; Align-GVGD: "Not Available". The glycine amino acid residue is found in multiple mammalian species, which suggests that this missense change does not adversely affect protein function. In summary, the available evidence is currently insufficient to determine the role of this variant in disease. Therefore, it has been classified as a Variant of Uncertain Significance.

Blueprint Genetics
Classification: Uncertain significance. Last evaluated: 2023-12-12. Review status: criteria provided, single submitter. Criteria: ACMG Guidelines, 2015. Collection method: clinical testing. Allele origin: germline.

Natera, Inc.
Classification: Uncertain significance for Fanconi anemia. Last evaluated: 2020-02-04. Review status: no assertion criteria provided. Collection method: clinical testing. Allele origin: germline. Not counted in ClinVar's aggregate classification.